The following is an entry in ClinVar:

NM_000094.4(COL7A1):c.7598G>A (p.Gly2533Asp)

Gene: COL7A1 (collagen type VII alpha 1 chain; minus strand). Cytogenetic location: 3p21.31.
Variant type: single nucleotide variant.
Coding change: c.7598G>A on transcript NM_000094.4 (MANE Select); coding-DNA position 7598, G replaced by A.
Protein change: p.Gly2533Asp; replaces glycine 2533 with aspartic acid.
Molecular consequence: missense variant.
Genome position (GRCh38, 1-based): chr3:48,569,608, C>T on the plus strand (G>A on the coding strand, the complement: COL7A1 is on the minus strand). VCF-style: chr3-48569608-C-T. GRCh37 (hg19) VCF-style: chr3-48607041-C-T.
Other names: short protein forms G2533D.
Identifiers: ClinVar variation 2203356 (VCV002203356.4), dbSNP rs2530846210, ClinGen allele CA352644287.

ClinVar aggregate classification (germline): Likely pathogenic (1 of 4 stars; one submission).

Submission:

Labcorp Genetics (formerly Invitae), Labcorp
Classification: Likely pathogenic. Last evaluated: 2023-09-15. Review status: criteria provided, single submitter. Criteria: Invitae Variant Classification Sherloc (09022015). Collection method: clinical testing. Allele origin: germline.
Comment: This missense change has been observed in individuals with autosomal recessive epidermolysis bullosa dystrophica (PMID: 19681861, 28830826). In summary, the currently available evidence indicates that the variant is pathogenic, but additional data are needed to prove that conclusively. Therefore, this variant has been classified as Likely Pathogenic. This variant disrupts the triple helix domain of COL7A1. Glycine residues within the Gly-Xaa-Yaa repeats of the triple helix domain are required for the structure and stability of fibrillar collagens (PMID: 7695699, 8218237, 19344236), and variants at these glycine residues in COL7A1 are more frequently observed in individuals with disease than in the general population (PMID: 22058051). However, the clinical significance of this observation remains uncertain since only a limited number of affected individuals have been described to date. Advanced modeling of protein sequence and biophysical properties (such as structural, functional, and spatial information, amino acid conservation, physicochemical variation, residue mobility, and thermodynamic stability) performed at Invitae indicates that this missense variant is expected to disrupt COL7A1 protein function. ClinVar contains an entry for this variant (Variation ID: 2203356). This variant is not present in population databases (gnomAD no frequency). This sequence change replaces glycine, which is neutral and non-polar, with aspartic acid, which is acidic and polar, at codon 2533 of the COL7A1 protein (p.Gly2533Asp).

Literature cited by the submitters: PubMed 19681861; PubMed 28830826; PubMed 7695699; PubMed 8218237; PubMed 19344236; PubMed 22058051.